The following is an entry in ClinVar:

NM_012282.4(KCNE5):c.202A>C (p.Ile68Leu)

Gene: KCNE5 (potassium voltage-gated channel subfamily E regulatory subunit 5; minus strand). Cytogenetic location: Xq23.
Variant type: single nucleotide variant.
Coding change: c.202A>C on transcript NM_012282.4 (MANE Select); coding-DNA position 202, A replaced by C.
Protein change: p.Ile68Leu; replaces isoleucine 68 with leucine.
Molecular consequence: missense variant.
Genome position (GRCh38, 1-based): chrX:109,624,819, T>G on the plus strand (A>C on the coding strand, the complement: KCNE5 is on the minus strand). VCF-style: chrX-109624819-T-G. GRCh37 (hg19) VCF-style: chrX-108868048-T-G.
Other names: short protein forms I68L.
Identifiers: ClinVar variation 3614152 (VCV003614152.2).
Genomic context (GRCh38, chrX:109,624,819, plus strand): 5'-CGAGCTTACGGGAGCGGGTGTAGGCCAGGATGAGGCCTCCGGCCAAGCAGGCGTAGAAGA[T>G]CATGATGAGCAGGATGTAGAGATAGGCGTCGTCGCCCTTGGCGCTGGTCACCTCGCGGCC-3'
Protein context (NP_036414.1, residues 58-78): DAYLYILLIM[Ile68Leu]FYACLAGGLI

ClinVar aggregate classification (germline): Uncertain significance (1 of 4 stars; one submission).

Conditions:
Brugada syndrome. Also called: Sudden unexpected nocturnal death syndrome; Sudden unexplained nocturnal death syndrome; Sudden Unexplained Death Syndrome; Sudden Unexplained Nocturnal Death Syndrome (SUNDS). Identifiers: Orphanet 130, MedGen C1142166, MONDO:0015263.

gnomAD v4.1: 4 of 1,211,925 alleles (0.00033%); highest among the groups gnomAD compares: Non-Finnish European, 0.00045%; no homozygotes.

Submission:

Labcorp Genetics (formerly Invitae), Labcorp
Classification: Uncertain significance for Brugada syndrome. Last evaluated: 2024-07-31. Review status: criteria provided, single submitter. Criteria: Invitae Variant Classification Sherloc (09022015). Collection method: clinical testing. Allele origin: germline.
Comment: This sequence change replaces isoleucine, which is neutral and non-polar, with leucine, which is neutral and non-polar, at codon 68 of the KCNE5 protein (p.Ile68Leu). This variant is not present in population databases (gnomAD no frequency). This variant has not been reported in the literature in individuals affected with KCNE5-related conditions. An algorithm developed to predict the effect of missense changes on protein structure and function (PolyPhen-2) suggests that this variant is likely to be tolerated. In summary, the available evidence is currently insufficient to determine the role of this variant in disease. Therefore, it has been classified as a Variant of Uncertain Significance.